The following is an entry in ClinVar:

ClinVar aggregate classification (germline): Uncertain significance. Review status: criteria provided, multiple submitters, no conflicts (2 of 4 stars). 3 submissions from 3 submitters: Uncertain significance (2). 1 of the submissions does not count toward it. Last evaluated 2022-02-03.

Conditions:
GRACILE syndrome (FLNMS). Also called: FELLMAN SYNDROME; FINNISH LETHAL NEONATAL METABOLIC SYNDROME. Identifiers: Orphanet 53693, MedGen C1864002, MONDO:0011308, OMIM 603358.
Mitochondrial complex III deficiency nuclear type 1. Identifiers: Orphanet 254902, MedGen C3541471, MONDO:0007415, OMIM 124000.
Pili torti-deafness syndrome (BJS). Also called: Bjornstad syndrome; PILI TORTI AND NERVE DEAFNESS. Identifiers: Orphanet 123, MedGen C0266006, MONDO:0009872, OMIM 262000.

Allele frequency attached by ClinVar (database versions not stated): gnomAD 0.00001; ExAC 0.00002; gnomAD exomes 0.00002; TOPMed 0.00002.

Submissions (3):

Fulgent Genetics
Classification: Uncertain significance for Mitochondrial complex III deficiency nuclear type 1; Pili torti-deafness syndrome; GRACILE syndrome. Last evaluated: 2022-02-03. Review status: criteria provided, single submitter. Criteria: ACMG Guidelines, 2015. Collection method: clinical testing. Allele origin: unknown.

GeneDx
Classification: Uncertain significance. Last evaluated: 2016-03-11. Review status: criteria provided, single submitter. Criteria: GeneDx Variant Classification (06012015). Collection method: clinical testing. Allele origin: germline. Affected: yes.
Comment: The M329V variant in the BCS1L gene has not been reported previously as a pathogenic variant, nor as a benign variant, to our knowledge. This variant was not observed in approximately 6500 individuals of European and African American ancestry in the NHLBI Exome Sequencing Project, indicating it is not a common benign variant in these populations. The M329V variant is a conservative amino acid substitution, which is not likely to impact secondary protein structure as these residues share similar properties. However, this substitution occurs at a position that is conserved across species, and in silico analysis predicts this variant is probably damaging to the protein structure/function. We interpret M329V as a variant of uncertain significance.

Natera, Inc.
Classification: Uncertain significance for GRACILE syndrome. Last evaluated: 2019-11-11. Review status: no assertion criteria provided. Collection method: clinical testing. Allele origin: germline. Not counted in ClinVar's aggregate classification.

NM_001079866.2(BCS1L):c.985A>G (p.Met329Val)

Gene: BCS1L (BCS1 ubiquinol-cytochrome c reductase complex chaperone; plus strand). Cytogenetic location: 2q35.
Variant type: single nucleotide variant.
Coding change: c.985A>G on transcript NM_001079866.2 (MANE Select); coding-DNA position 985, A replaced by G.
Protein change: p.Met329Val; replaces methionine 329 with valine.
Molecular consequence: missense variant. On other transcripts: non-coding transcript variant (1).
Genome position (GRCh38, 1-based): chr2:218,662,978, A>G. VCF-style: chr2-218662978-A-G. GRCh37 (hg19) VCF-style: chr2-219527701-A-G.
Other names: c.985A>G, p.Met329Val (NM_001257342.2, NM_001257343.2, NM_001257344.2 and 10 more transcripts); c.625A>G, p.Met209Val (NM_001318836.2, NM_001371451.1); c.484A>G, p.Met162Val (NM_001371454.1, NM_001371455.1, NM_001371456.1 and 3 more transcripts); short protein forms M329V, M209V, M162V.
Identifiers: ClinVar variation 384760 (VCV000384760.4), dbSNP rs779805975, ClinGen allele CA2109807.
Genomic context (GRCh38, chr2:218,662,978, plus strand): 5'-TTCAGTGGACTGCTCAATGCCTTGGATGGTGTGGCTTCCACCGAGGCCCGCATCGTGTTC[A>G]TGACCACCAACCACGTTGACAGGTAGGAAGGAGCCAGGCATCCTGAGACTTAGGCAAGAG-3'
Protein context (NP_001073335.1, residues 319-339): VASTEARIVF[Met329Val]TTNHVDRLDP